The following is an entry in ClinVar:

NM_000088.4(COL1A1):c.3494dup (p.Gly1166fs)

Gene: COL1A1 (collagen type I alpha 1 chain; minus strand). Cytogenetic location: 17q21.33.
Variant type: Duplication.
Coding change: c.3494dup on transcript NM_000088.4 (MANE Select); coding-DNA position 3494, one base duplicated (C; older notation c.3494dupC).
Protein change: p.Gly1166fs; shifts the reading frame from glycine 1166.
Molecular consequence: frameshift variant.
Genome position (GRCh38, 1-based): chr17:50,187,052, G duplicated on the plus strand (C on the coding strand, the reverse complement: COL1A1 is on the minus strand); the first of 5 consecutive G bases (chr17:50,187,052-50,187,056); duplicating any one gives the same sequence. VCF-style (leftmost placement, unchanged base first): chr17-50187051-A-AG. GRCh37 (hg19) VCF-style: chr17-48264412-A-AG.
Other names: short protein forms G1166fs.
Identifiers: ClinVar variation 1352043 (VCV001352043.6), dbSNP rs1598286050, ClinGen allele CA626689076.

ClinVar aggregate classification (germline): Pathogenic (1 of 4 stars; one submission).

Conditions:
Osteogenesis imperfecta type I (OI1). Also called: Classic Non-deforming Osteogenesis Imperfecta with Blue Sclerae; Osteogenesis imperfecta type 1; OI, TYPE I; OSTEOGENESIS IMPERFECTA TARDA; OSTEOGENESIS IMPERFECTA WITH BLUE SCLERAE; Lobstein disease. Identifiers: Orphanet 216796, Orphanet 666, MedGen C0023931, MONDO:0008146, OMIM 166200. Disease mechanism: loss of function.

Submission:

Labcorp Genetics (formerly Invitae), Labcorp
Classification: Pathogenic for Osteogenesis imperfecta type I. Last evaluated: 2023-07-01. Review status: criteria provided, single submitter. Criteria: Invitae Variant Classification Sherloc (09022015). Collection method: clinical testing. Allele origin: germline.
Comment: For these reasons, this variant has been classified as Pathogenic. ClinVar contains an entry for this variant (Variation ID: 1352043). This variant has not been reported in the literature in individuals affected with COL1A1-related conditions. This variant is not present in population databases (gnomAD no frequency). This sequence change creates a premature translational stop signal (p.Gly1166Trpfs*8) in the COL1A1 gene. It is expected to result in an absent or disrupted protein product. Loss-of-function variants in COL1A1 are known to be pathogenic (PMID: 7942841, 9295084, 9443882).

Literature cited by the submitters: PubMed 7942841; PubMed 9295084; PubMed 9443882.